The following is an entry in ClinVar:

ClinVar aggregate classification (germline): Uncertain significance (1 of 4 stars; one submission).

Submission:

Labcorp Genetics (formerly Invitae), Labcorp
Classification: Uncertain significance. Last evaluated: 2025-08-08. Review status: criteria provided, single submitter. Criteria: Invitae Variant Classification Sherloc (09022015). Collection method: clinical testing. Allele origin: germline.
Comment: This sequence change replaces threonine, which is neutral and polar, with serine, which is neutral and polar, at codon 69 of the SLC7A14 protein (p.Thr69Ser). This variant is not present in population databases (gnomAD no frequency). This variant has not been reported in the literature in individuals affected with SLC7A14-related conditions. An algorithm developed to predict the effect of missense changes on protein structure and function (PolyPhen-2) suggests that this variant is likely to be disruptive. In summary, the available evidence is currently insufficient to determine the role of this variant in disease. Therefore, it has been classified as a Variant of Uncertain Significance.

NM_020949.3(SLC7A14):c.205A>T (p.Thr69Ser)

Genes: SLC7A14 (solute carrier family 7 member 14; minus strand), SLC7A14-AS1 (SLC7A14 antisense RNA 1; plus strand). Cytogenetic location: 3q26.2.
Variant type: single nucleotide variant.
Coding change: c.205A>T on transcript NM_020949.3 (MANE Select); coding-DNA position 205, A replaced by T.
Protein change: p.Thr69Ser; replaces threonine 69 with serine.
Molecular consequence: missense variant.
Genome position (GRCh38, 1-based): chr3:170,526,732, T>A on the plus strand (A>T on the coding strand, the complement: SLC7A14 is on the minus strand). VCF-style: chr3-170526732-T-A. GRCh37 (hg19) VCF-style: chr3-170244521-T-A.
Other names: short protein forms T69S.
Identifiers: ClinVar variation 4723890 (VCV004723890.1).